The following is an entry in ClinVar:

NM_001350162.2(TEX15):c.4665A>G (p.Ala1555=)

Gene: TEX15 (testis expressed 15, meiosis and synapsis associated; minus strand). Cytogenetic location: 8p12.
Variant type: single nucleotide variant.
Coding change: c.4665A>G on transcript NM_001350162.2 (MANE Select); coding-DNA position 4665, A replaced by G.
Protein change: p.Ala1555=; no amino-acid change (alanine 1555 retained).
Molecular consequence: synonymous variant.
Genome position (GRCh38, 1-based): chr8:30,845,502, T>C on the plus strand (A>G on the coding strand, the complement: TEX15 is on the minus strand). VCF-style: chr8-30845502-T-C. GRCh37 (hg19) VCF-style: chr8-30703018-T-C.
Other names: c.3516A>G (NM_031271.3).
Identifiers: ClinVar variation 784127 (VCV000784127.6), dbSNP rs115950103, ClinGen allele CA4703000.
Genomic context (GRCh38, chr8:30,845,502, plus strand): 5'-ATCAATTTGATTTTCTTTTTCTATTAGTTTCTCATCTGAGTGGTCTGGGGAAAACAGATA[T>C]GCAGTTTTTCCAGAAAAGGGCTGATGTTCTTCTGATAAACTTGGATTGCTTACACTGCTA-3'
Protein context (NP_001337091.1, residues 1545-1565): EEHQPFSGKT[Ala1555=]YLFSPDHSDE

ClinVar aggregate classification (germline): Benign. Review status: criteria provided, multiple submitters, no conflicts (2 of 4 stars). 3 submissions from 3 submitters: Benign (2). 1 of the submissions does not count toward it. Last evaluated 2018-12-28.

Conditions:
TEX15-related disorder. Also called: TEX15-related condition.

Allele frequency attached by ClinVar (database versions not stated): gnomAD exomes 0.00089 and 0.00226; ExAC 0.00286; 1000 Genomes Project 0.00899; 1000 Genomes Project 30x 0.00937; ESP Exome Variant Server 0.01077; TOPMed 0.01007.
gnomAD v4.1: 2,750 of 1,613,578 alleles (0.17%); highest among the groups gnomAD compares: African/African-American, 3.3%; 60 homozygotes.

Submissions (3):

Labcorp Genetics (formerly Invitae), Labcorp
Classification: Benign. Last evaluated: 2018-12-28. Review status: criteria provided, single submitter. Criteria: Invitae Variant Classification Sherloc (09022015). Collection method: clinical testing. Allele origin: germline.

Breakthrough Genomics
Classification: Benign. Review status: criteria provided, single submitter. Criteria: ACMG Guidelines, 2015. Collection method: not provided. Allele origin: germline. Inheritance: Autosomal recessive inheritance. Affected: yes.

PreventionGenetics, part of Exact Sciences
Classification: Likely benign for TEX15-related condition. Last evaluated: 2019-02-25. Review status: no assertion criteria provided. Collection method: clinical testing. Allele origin: germline. Not counted in ClinVar's aggregate classification.
Comment: This variant is classified as likely benign based on ACMG/AMP sequence variant interpretation guidelines (Richards et al. 2015 PMID: 25741868, with internal and published modifications).